The following is an entry in ClinVar:

ClinVar aggregate classification (germline): Pathogenic/Likely pathogenic. Review status: criteria provided, multiple submitters, no conflicts (2 of 4 stars). 3 submissions from 3 submitters: Pathogenic (1); Likely pathogenic (1). 1 of the submissions does not count toward it. Last evaluated 2019-02-14.

Conditions:
Menkes kinky-hair syndrome (MNK). Also called: Menkes Disease; Copper transport disease; Classic Menkes Disease. Identifiers: Orphanet 565, MedGen C0022716, MONDO:0010651, OMIM 309400.
Cutis laxa, X-linked (OHS). Also called: EDS IX; Occipital horn syndrome. Identifiers: Orphanet 198, MedGen C0268353, MONDO:0010572, OMIM 304150.
X-linked distal spinal muscular atrophy type 3. Also called: SPINAL MUSCULAR ATROPHY, DISTAL, X-LINKED RECESSIVE; NEURONOPATHY, DISTAL HEREDITARY MOTOR, X-LINKED; NEUROPATHY, DISTAL HEREDITARY MOTOR, X-LINKED; ATP7A-Related Distal Motor Neuropathy. Identifiers: Orphanet 139557, MedGen C1845359, MONDO:0010338, OMIM 300489.

Submissions (3):

Labcorp Genetics (formerly Invitae), Labcorp
Classification: Likely pathogenic for X-linked distal spinal muscular atrophy type 3; Cutis laxa, X-linked; Menkes kinky-hair syndrome. Last evaluated: 2019-02-14. Review status: criteria provided, single submitter. Criteria: Invitae Variant Classification Sherloc (09022015). Collection method: clinical testing. Allele origin: germline.
Comment: In summary, the currently available evidence indicates that the variant is pathogenic, but additional data are needed to prove that conclusively. Therefore, this variant has been classified as Likely Pathogenic. Nucleotide substitutions within the consensus splice site are a relatively common cause of aberrant splicing (PMID: 17576681, 9536098). Experimental studies have shown that this variant disrupts mRNA splicing (PMID:10319589, 21208200). This variant has been observed in multiple individuals affected with Menkes disease (PMID: 10319589, 21494555, 21208200). This variant is also know as c.2317+5G>C ClinVar contains an entry for this variant (Variation ID: 210415). This variant is not present in population databases (ExAC no frequency). This sequence change falls in intron 9 of the ATP7A gene. It does not directly change the encoded amino acid sequence of the ATP7A protein, but it affects a nucleotide within the consensus splice site of the intron.

Genetic Services Laboratory, University of Chicago
Classification: Pathogenic for Menkes disease. Last evaluated: 2013-02-08. Review status: criteria provided, single submitter. Criteria: ACMG Guidelines, 2007. Collection method: clinical testing. Allele origin: germline. Affected: yes.

Inherited Neuropathy Consortium Ii, University Of Miami
Classification: Uncertain significance for Menkes kinky-hair syndrome. Last evaluated: 2016-01-06. Review status: no assertion criteria provided. Collection method: literature only. Allele origin: germline. Affected: yes. Not counted in ClinVar's aggregate classification.

Literature cited by the submitters: PubMed 17576681 (cited by Labcorp Genetics (formerly Invitae), Labcorp); PubMed 9536098 (cited by Labcorp Genetics (formerly Invitae), Labcorp); PubMed 10319589 (cited by Labcorp Genetics (formerly Invitae), Labcorp); PubMed 21208200 (cited by Labcorp Genetics (formerly Invitae), Labcorp); PubMed 21494555 (cited by Labcorp Genetics (formerly Invitae), Labcorp); PubMed 23281160 (cited by Inherited Neuropathy Consortium Ii, University Of Miami).

NM_000052.7(ATP7A):c.2172+5G>C

Gene: ATP7A (ATPase copper transporting alpha; plus strand). Cytogenetic location: Xq21.1.
Variant type: single nucleotide variant.
Coding change: c.2172+5G>C on transcript NM_000052.7 (MANE Select); 5 bases into the intron after coding-DNA position 2172, G replaced by C.
Molecular consequence: intron variant.
Genome position (GRCh38, 1-based): chrX:78,011,679, G>C. VCF-style: chrX-78011679-G-C. GRCh37 (hg19) VCF-style: chrX-77267176-G-C.
Other names: c.2172+5G>C (NM_001282224.2).
Identifiers: ClinVar variation 210415 (VCV000210415.14), dbSNP rs797045347, ClinGen allele CA277221.
Genomic context (GRCh38, chrX:78,011,679, plus strand): 5'-TTCCAGGATTGTCTGTTATGAATTTGCTGTCCTTTTTATTGTGTGTACCTGTACAGGCAA[G>C]TGAATTGTTAGCAAATATATTTGTTAATAATAAAAAATAAGCAAAATTTGGCAGGCAAGG-3'